The following is an entry in ClinVar:

NM_001374736.1(DST):c.3033C>T (p.His1011=)

Gene: DST (dystonin; minus strand). Cytogenetic location: 6p12.1.
Variant type: single nucleotide variant.
Coding change: c.3033C>T on transcript NM_001374736.1 (MANE Select); coding-DNA position 3033, C replaced by T.
Protein change: p.His1011=; no amino-acid change (histidine 1011 retained).
Molecular consequence: synonymous variant.
Genome position (GRCh38, 1-based): chr6:56,636,584, G>A on the plus strand (C>T on the coding strand, the complement: DST is on the minus strand). VCF-style: chr6-56636584-G-A. GRCh37 (hg19) VCF-style: chr6-56501382-G-A.
Other names: c.2934C>T, p.His978= (NM_001144769.5); c.2520C>T, p.His840= (NM_001144770.2); c.3033C>T, p.His1011= (NM_001374722.1); c.2400C>T, p.His800= (NM_001374729.1, NM_001374730.1, NM_001386100.1 and 1 more transcripts); c.3060C>T, p.His1020= (NM_001374734.1); c.1422C>T, p.His474= (NM_001723.7, NM_015548.5).
Identifiers: ClinVar variation 3057704 (VCV003057704.2), dbSNP rs2098828502, ClinGen allele CA450492836.

ClinVar aggregate classification (germline): Likely benign (0 of 4 stars; one submission).

Conditions:
DST-related disorder. Also called: DST-related condition; DST-related disorders.

Allele frequency attached by ClinVar (database versions not stated): gnomAD exomes below 0.00001.
gnomAD v4.1: 4 of 1,613,256 alleles (0.00025%); highest among the groups gnomAD compares: Middle Eastern, 0.033%; no homozygotes.

Submission:

PreventionGenetics, part of Exact Sciences
Classification: Likely benign for DST-related condition. Last evaluated: 2019-03-22. Review status: no assertion criteria provided. Collection method: clinical testing. Allele origin: germline.
Comment: This variant is classified as likely benign based on ACMG/AMP sequence variant interpretation guidelines (Richards et al. 2015 PMID: 25741868, with internal and published modifications).